The following is an entry in ClinVar:

NM_003907.3(EIF2B5):c.545C>T (p.Thr182Met)

Gene: EIF2B5 (eukaryotic translation initiation factor 2B subunit epsilon; plus strand). Cytogenetic location: 3q27.1.
Variant type: single nucleotide variant.
Coding change: c.545C>T on transcript NM_003907.3 (MANE Select); coding-DNA position 545, C replaced by T.
Protein change: p.Thr182Met; replaces threonine 182 with methionine.
Molecular consequence: missense variant.
Genome position (GRCh38, 1-based): chr3:184,137,936, C>T. VCF-style: chr3-184137936-C-T. GRCh37 (hg19) VCF-style: chr3-183855724-C-T.
Other names: c.545C>T (NM_003907.2); short protein forms T182M.
Identifiers: ClinVar variation 5949 (VCV000005949.52), dbSNP rs113994053, ClinGen allele CA340479.
Genomic context (GRCh38, chr3:184,137,936, plus strand): 5'-CTGTCCCTCCTGTCCTTTATAGGTTGAGACGGAAGCTAGAAAAAAATGTTTCTGTGATGA[C>T]GATGATCTTCAAGGAGTCATCCCCCAGCCACCCAACTCGTTGCCACGAAGACAATGTGGT-3'
Protein context (NP_003898.2, residues 172-192): RKLEKNVSVM[Thr182Met]MIFKESSPSH

ClinVar aggregate classification (germline): Pathogenic/Likely pathogenic. Review status: criteria provided, multiple submitters, no conflicts (2 of 4 stars). 7 submissions from 7 submitters: Pathogenic (2); Likely pathogenic (4). 1 of the submissions does not count toward it. Last evaluated 2026-01-02.

Conditions:
Leukoencephalopathy with vanishing white matter 5 (VWM5). Also called: Leukoencephalopathy with vanishing white matter 5, with or without ovarian failure; EIF2B5-Related Childhood Ataxia with Central Nervous System Hypomyelination/Vanishing White Matter. Identifiers: MedGen C5779973, MONDO:0957873, OMIM 620315.
Vanishing white matter disease. Also called: Childhood ataxia with diffuse central nervous system hypomyelination; Leukoencephalopathy with vanishing white matter; CACH/VWM syndrome; Cree leukoencehalopathy; CACH syndrome. Identifiers: Orphanet 135, Orphanet 99853, MedGen C1858991, MONDO:0800448.

Allele frequency attached by ClinVar (database versions not stated): gnomAD 0.00001; gnomAD exomes 0.00001 and 0.00002; ExAC 0.00002; TOPMed 0.00002.
gnomAD v4.1: 25 of 1,614,040 alleles (0.0015%); highest among the groups gnomAD compares: East Asian, 0.0089%; no homozygotes.

Submissions (7):

Dasa
Classification: Likely pathogenic for Leukoencephalopathy with vanishing white matter 5. Last evaluated: 2026-01-02. Review status: criteria provided, single submitter. Criteria: DASA Assertion Criteria. Collection method: clinical testing. Allele origin: germline.
Comment: NM_003907.3(EIF2B5):c.545C>T (p.Thr182Met) is a missense variant that results in the substitution of threonine with methionine. This variant has been recurrently observed in individuals with EIF2B5-related disorders (PMID: 15136690; PMID: 19170749; PMID: 35785335). Also, this variant is rare in population databases. Computational evidence supports a deleterious effect. Based on the currently available evidence, this variant is classified as likely pathogenic.

Natera, Inc.
Classification: Likely pathogenic for Leukoencephalopathy with vanishing white matter. Last evaluated: 2024-07-26. Review status: criteria provided, single submitter. Criteria: Natera Variant Classification Schema (03/2026). Collection method: clinical testing. Allele origin: germline.
Comment: The c.545C>T variant in EIF2B5 is a missense variant predicted to cause substitution of threonine to methionine at amino acid 182. This variant is rare in the general population with a frequency below the threshold expected for the associated phenotype(s). This variant has been observed in one or more individuals affected with the associated recessive disease, as either homozygous or compound heterozygous with a second variant (PMID: 19170749, 15136690). Computational prediction algorithms indicate this variant is likely to affect gene or protein function. Given the available evidence, this variant is classified as Likely Pathogenic.

Fulgent Genetics
Classification: Pathogenic for Leukoencephalopathy with vanishing white matter 5. Last evaluated: 2024-05-31. Review status: criteria provided, single submitter. Criteria: ACMG Guidelines, 2015. Collection method: clinical testing. Allele origin: germline.

Labcorp Genetics (formerly Invitae), Labcorp
Classification: Pathogenic. Last evaluated: 2024-01-02. Review status: criteria provided, single submitter. Criteria: Invitae Variant Classification Sherloc (09022015). Collection method: clinical testing. Allele origin: germline.
Comment: This sequence change replaces threonine, which is neutral and polar, with methionine, which is neutral and non-polar, at codon 182 of the EIF2B5 protein (p.Thr182Met). This variant is present in population databases (rs113994053, gnomAD 0.01%). This missense change has been observed in individual(s) with leukoencephalopathy with vanishing white matter (PMID: 15136690, 19170749). In at least one individual the data is consistent with being in trans (on the opposite chromosome) from a pathogenic variant. ClinVar contains an entry for this variant (Variation ID: 5949). Advanced modeling of protein sequence and biophysical properties (such as structural, functional, and spatial information, amino acid conservation, physicochemical variation, residue mobility, and thermodynamic stability) performed at Invitae indicates that this missense variant is expected to disrupt EIF2B5 protein function with a positive predictive value of 80%. For these reasons, this variant has been classified as Pathogenic.

Women's Health and Genetics/Laboratory Corporation of America, LabCorp
Classification: Likely pathogenic for Vanishing white matter disease. Last evaluated: 2023-12-15. Review status: criteria provided, single submitter. Criteria: LabCorp Variant Classification Summary - May 2015. Collection method: clinical testing. Allele origin: germline.
Comment: Variant summary: EIF2B5 c.545C>T (p.Thr182Met) results in a non-conservative amino acid change located in the Translation initiation factor eIF-2B subunit epsilon, N-terminal domain (IPR035543) of the encoded protein sequence. Five of five in-silico tools predict a damaging effect of the variant on protein function. The variant allele was found at a frequency of 1.2e-05 in 251408 control chromosomes. c.545C>T has been reported in the literature as biallelic genotypes in individuals affected with adult onset features of Leukoencephalopathy With Vanishing White Matter. These data indicate that the variant may be associated with disease. To our knowledge, no experimental evidence demonstrating an impact on protein function has been reported. The following publications have been ascertained in the context of this evaluation (PMID: 34745209, 19170749, 17119336, 15136690, 32293553). Two submitters have cited clinical-significance assessments for this variant to ClinVar after 2014. All submitters classified the variant as pathogenic/likely pathogenic. Based on the evidence outlined above, the variant was classified as likely pathogenic.

CeGaT Center for Human Genetics Tuebingen
Classification: Likely pathogenic. Last evaluated: 2016-07-01. Review status: criteria provided, single submitter. Criteria: CeGaT Center For Human Genetics Tuebingen Variant Classification Criteria Version 2. Collection method: clinical testing. Allele origin: germline. Affected: yes. Observed: 1 variant allele.

OMIM
Classification: Pathogenic for LEUKOENCEPHALOPATHY WITH VANISHING WHITE MATTER 5, ADULT-ONSET. Last evaluated: 2004-05-11. Review status: no assertion criteria provided. Collection method: literature only. Allele origin: germline. Not counted in ClinVar's aggregate classification.

Literature cited by the submitters: PubMed 15136690 (cited by 5 submitters); PubMed 19170749 (cited by 4 submitters); PubMed 35785335 (cited by Dasa); PubMed 32293553 (cited by Women's Health and Genetics/Laboratory Corporation of America, LabCorp); PubMed 34745209 (cited by Women's Health and Genetics/Laboratory Corporation of America, LabCorp); PubMed 17119336 (cited by Women's Health and Genetics/Laboratory Corporation of America, LabCorp).